The following is an entry in ClinVar:

NM_001164508.2(NEB):c.20633del (p.Asp6878fs)

Gene: NEB (nebulin; minus strand). Cytogenetic location: 2q23.3.
Variant type: Deletion.
Coding change: c.20633del on transcript NM_001164508.2 (MANE Select); coding-DNA position 20633, one base deleted (A; older notation c.20633delA).
Protein change: p.Asp6878fs; shifts the reading frame from aspartic acid 6878.
Molecular consequence: frameshift variant.
Genome position (GRCh38, 1-based): chr2:151,541,496, T deleted on the plus strand (A on the coding strand, the reverse complement: NEB is on the minus strand). VCF-style (leftmost placement, unchanged base first): chr2-151541495-AT-A. GRCh37 (hg19) VCF-style: chr2-152398009-AT-A.
Other names: c.20633del, p.Asp6878fs (NM_001164507.2, NM_001271208.2); c.15530del, p.Asp5177fs (NM_004543.5); short protein forms D6878fs, D5177fs.
Identifiers: ClinVar variation 950597 (VCV000950597.7), dbSNP rs2094062438, ClinGen allele CA1139657230.

ClinVar aggregate classification (germline): Pathogenic (1 of 4 stars; one submission).

Conditions:
Nemaline myopathy 2 (NEM2). Also called: Nemaline myopathy 2, autosomal recessive. Identifiers: MedGen C1850569, MONDO:0009725, OMIM 256030.

Submission:

Labcorp Genetics (formerly Invitae), Labcorp
Classification: Pathogenic for Nemaline myopathy 2. Last evaluated: 2023-08-25. Review status: criteria provided, single submitter. Criteria: Invitae Variant Classification Sherloc (09022015). Collection method: clinical testing. Allele origin: germline.
Comment: This variant has not been reported in the literature in individuals affected with NEB-related conditions. ClinVar contains an entry for this variant (Variation ID: 950597). For these reasons, this variant has been classified as Pathogenic. This sequence change creates a premature translational stop signal (p.Asp6878Valfs*6) in the NEB gene. It is expected to result in an absent or disrupted protein product. Loss-of-function variants in NEB are known to be pathogenic (PMID: 25205138). This variant is not present in population databases (gnomAD no frequency).

Literature cited by the submitters: PubMed 25205138.